The following is an entry in ClinVar:

ClinVar aggregate classification (germline): Benign/Likely benign. Review status: criteria provided, multiple submitters, no conflicts (2 of 4 stars). 3 submissions from 3 submitters: Benign (1); Likely benign (1). 1 of the submissions does not count toward it. Last evaluated 2026-01-28.

Conditions:
MPDZ-related disorder. Also called: MPDZ-related condition.

Allele frequency attached by ClinVar (database versions not stated): gnomAD exomes 0.00044 and 0.00100; ExAC 0.00134; ESP Exome Variant Server 0.00447; gnomAD 0.00485 and 0.00513; TOPMed 0.00498; 1000 Genomes Project 0.00499; 1000 Genomes Project 30x 0.00500.
gnomAD v4.1: 1,413 of 1,612,874 alleles (0.088%); highest among the groups gnomAD compares: African/African-American, 1.6%; 11 homozygotes.

Submissions (3):

Labcorp Genetics (formerly Invitae), Labcorp
Classification: Benign. Last evaluated: 2026-01-28. Review status: criteria provided, single submitter. Criteria: Invitae Variant Classification Sherloc (09022015). Collection method: clinical testing. Allele origin: germline.

Blueprint Genetics
Classification: Likely benign. Last evaluated: 2024-11-25. Review status: criteria provided, single submitter. Criteria: ACMG Guidelines, 2015. Collection method: clinical testing. Allele origin: germline.

PreventionGenetics, part of Exact Sciences
Classification: Benign for MPDZ-related condition. Last evaluated: 2019-09-06. Review status: no assertion criteria provided. Collection method: clinical testing. Allele origin: germline. Not counted in ClinVar's aggregate classification.
Comment: This variant is classified as benign based on ACMG/AMP sequence variant interpretation guidelines (Richards et al. 2015 PMID: 25741868, with internal and published modifications).

NM_001378778.1(MPDZ):c.594G>A (p.Gln198=)

Gene: MPDZ (multiple PDZ domain crumbs cell polarity complex component; minus strand). Cytogenetic location: 9p23.
Variant type: single nucleotide variant.
Coding change: c.594G>A on transcript NM_001378778.1 (MANE Select); coding-DNA position 594, G replaced by A.
Protein change: p.Gln198=; no amino-acid change (glutamine 198 retained).
Molecular consequence: synonymous variant.
Genome position (GRCh38, 1-based): chr9:13,222,386, C>T on the plus strand (G>A on the coding strand, the complement: MPDZ is on the minus strand). VCF-style: chr9-13222386-C-T. GRCh37 (hg19) VCF-style: chr9-13222385-C-T.
Other names: c.594G>A, p.Gln198= (NM_001261406.2, NM_001261407.2, NM_001330637.2 and 14 more transcripts).
Identifiers: ClinVar variation 709854 (VCV000709854.14), dbSNP rs114891073, ClinGen allele CA4988065.